The following is an entry in ClinVar:

ClinVar aggregate classification (germline): Likely pathogenic (1 of 4 stars; one submission).

Submission:

GeneDx
Classification: Likely pathogenic. Last evaluated: 2026-04-04. Review status: criteria provided, single submitter. Criteria: GeneDx Variant Classification Process June 2021. Collection method: clinical testing. Allele origin: germline.
Comment: Frameshift variant where the last 24 amino acids are replaced with 24 different amino acids; Not observed at significant frequency in large population cohorts (gnomAD); Has not been previously published as pathogenic or benign to our knowledge

NM_145239.3(PRRT2):c.945_948dup (p.Ser317fs)

Genes: MVP-DT (MVP divergent transcript; minus strand), PRRT2 (proline rich transmembrane protein 2; plus strand). Cytogenetic location: 16p11.2.
Variant type: Duplication.
Coding change: c.945_948dup on transcript NM_145239.3 (MANE Select); coding-DNA positions 945 to 948, 4 bases duplicated (CTTA; older notation c.945_948dupCTTA).
Protein change: p.Ser317fs; shifts the reading frame from serine 317.
Molecular consequence: frameshift variant. On other transcripts: 3 prime UTR variant (2).
Genome position (GRCh38, 1-based): chr16:29,814,398-29,814,401, CTTA duplicated. VCF-style (leftmost placement, unchanged base first): chr16-29814397-T-TCTTA. GRCh37 (hg19) VCF-style: chr16-29825718-T-TCTTA.
Other names: c.945_948dup, p.Ser317fs (NM_001256442.2, NM_001438120.1, NM_001438121.1); c.*444_*447dup (NM_001256443.2, NM_001438122.1); short protein forms S317fs.
Identifiers: ClinVar variation 5016860 (VCV005016860.1).